The following is an entry in ClinVar:

ClinVar aggregate classification (germline): Pathogenic. Review status: criteria provided, multiple submitters, no conflicts (2 of 4 stars). 7 submissions from 7 submitters: Pathogenic (7). Last evaluated 2025-09-24.

Conditions:
Cardiovascular phenotype. Identifiers: MedGen CN230736.
Cardiomyopathy (CMYO). Also called: Cardiomyopathies. Identifiers: Orphanet 167848, MedGen C0878544, MONDO:0004994, HP:0001638. Inheritance: Various modes of inheritance.
Hypertrophic cardiomyopathy 4. Also called: Familial hypertrophic cardiomyopathy 4. Identifiers: MedGen C1861862, MONDO:0007268, OMIM 115197.
Hypertrophic cardiomyopathy. Also called: HYPERTROPHIC MYOCARDIOPATHY. Identifiers: Orphanet 217569, MedGen C0007194, MeSH D002312, MONDO:0005045, HP:0001639.

Allele frequency attached by ClinVar (database versions not stated): ExAC 0.00002.

Submissions (7):

Ambry Genetics
Classification: Pathogenic for Cardiovascular phenotype. Last evaluated: 2025-09-24. Review status: criteria provided, single submitter. Criteria: Ambry Variant Classification Scheme 2023. Collection method: clinical testing. Allele origin: germline.
Comment: The c.3233G>A (p.W1078*) alteration, located in exon 30 (coding exon 30) of the MYBPC3 gene, consists of a G to A substitution at nucleotide position 3233. This changes the amino acid from a tryptophan (W) to a stop codon at amino acid position 1078. This alteration is expected to result in loss of function by premature protein truncation or nonsense-mediated mRNA decay. The Genome Aggregation Database (gnomAD) data for this variant is unreliable due to technical and/or biological issues; therefore, population frequency estimates were not considered. This variant has been detected in individuals with features consistent with hypertrophic cardiomyopathy (Helms, 2014; Helms, 2016; Walsh, 2017). Based on the available evidence, this alteration is classified as pathogenic.

Labcorp Genetics (formerly Invitae), Labcorp
Classification: Pathogenic for Hypertrophic cardiomyopathy. Last evaluated: 2025-08-26. Review status: criteria provided, single submitter. Criteria: Invitae Variant Classification Sherloc (09022015). Collection method: clinical testing. Allele origin: germline.
Comment: This sequence change creates a premature translational stop signal (p.Trp1078*) in the MYBPC3 gene. It is expected to result in an absent or disrupted protein product. Loss-of-function variants in MYBPC3 are known to be pathogenic (PMID: 19574547). The frequency data for this variant in the population databases is considered unreliable, as metrics indicate poor data quality at this position in the gnomAD database. This premature translational stop signal has been observed in individuals with hypertrophic cardiomyopathy (PMID: 19574547, 25031304). ClinVar contains an entry for this variant (Variation ID: 42692). For these reasons, this variant has been classified as Pathogenic.

GeneDx
Classification: Pathogenic. Last evaluated: 2024-01-17. Review status: criteria provided, single submitter. Criteria: GeneDx Variant Classification Process June 2021. Collection method: clinical testing. Allele origin: germline. Affected: yes.
Comment: Not observed at significant frequency in large population cohorts (gnomAD); Nonsense variant predicted to result in protein truncation or nonsense mediated decay in a gene for which loss of function is a known mechanism of disease; This variant is associated with the following publications: (PMID: 25031304, 27532257, 19574547, 27688314)

CHEO Genetics Diagnostic Laboratory, Children's Hospital of Eastern Ontario
Classification: Pathogenic for Cardiomyopathy. Last evaluated: 2023-03-01. Review status: criteria provided, single submitter. Criteria: ACMG Guidelines, 2015. Collection method: clinical testing. Allele origin: germline.

Centre for Mendelian Genomics, University Medical Centre Ljubljana
Classification: Pathogenic for Hypertrophic cardiomyopathy 4. Last evaluated: 2018-11-06. Review status: criteria provided, single submitter. Criteria: ACMG Guidelines, 2015. Collection method: clinical testing. Allele origin: unknown. Affected: yes.
Comment: This variant was classified as: Pathogenic. The following ACMG criteria were applied in classifying this variant: PVS1,PP3,PP5.

Laboratory for Molecular Medicine, Mass General Brigham Personalized Medicine
Classification: Pathogenic for Hypertrophic cardiomyopathy. Last evaluated: 2016-05-16. Review status: criteria provided, single submitter. Criteria: LMM Criteria. Collection method: clinical testing. Allele origin: germline. Inheritance: Autosomal dominant inheritance. Observed: 8 variant alleles.
Comment: The p.Trp1078X variant in MYBPC3 has been identified by our laboratory in 4 indi viduals with HCM. It has also been identified in 1/23606 European chromosomes by the Exome Aggregation Consortium (ExAC; dbSNP r s397516006). This nonsense variant leads to a premature termination codon at pos ition 1078, which is predicted to lead to a truncated or absent protein. Heteroz ygous loss of function of the MYBPC3 gene is an established disease mechanism in individuals with HCM. In summary, the p.Trp1078X variant meets our criteria to be classified as pathogenic for HCM in an autosomal dominant manner based upon i ts predicted impact to the protein.

Juno Genomics, Hangzhou Juno Genomics, Inc
Classification: Pathogenic for Hypertrophic cardiomyopathy 4. Review status: criteria provided, single submitter. Criteria: ACMG Guidelines, 2015. Collection method: clinical testing. Allele origin: germline.
Comment: Absent from controls (or at extremely low frequency if recessive) in Genome Aggregation Database.;Null variant in a gene where loss of function (LOF) is a known mechanism of disease.;The prevalence of the variant in affected individuals is significantly increased compared to the prevalence in controls.

Literature cited by the submitters: PubMed 25031304 (cited by Ambry Genetics and Labcorp Genetics (formerly Invitae), Labcorp); PubMed 27532257 (cited by Ambry Genetics); PubMed 27688314 (cited by Ambry Genetics); PubMed 19574547 (cited by Labcorp Genetics (formerly Invitae), Labcorp).

NM_000256.3(MYBPC3):c.3233G>A (p.Trp1078Ter)

Gene: MYBPC3 (myosin binding protein C3; minus strand). Cytogenetic location: 11p11.2.
Variant type: single nucleotide variant.
Coding change: c.3233G>A on transcript NM_000256.3 (MANE Select); coding-DNA position 3233, G replaced by A.
Protein change: p.Trp1078Ter; replaces tryptophan 1078 with a stop codon.
Molecular consequence: nonsense.
Genome position (GRCh38, 1-based): chr11:47,333,291, C>T on the plus strand (G>A on the coding strand, the complement: MYBPC3 is on the minus strand). VCF-style: chr11-47333291-C-T. GRCh37 (hg19) VCF-style: chr11-47354842-C-T.
Other names: short protein forms W1078*.
Identifiers: ClinVar variation 42692 (VCV000042692.27), dbSNP rs397516006, ClinGen allele CA013715.